The following is an entry in ClinVar:

NM_001201479.2(CORO7-PAM16):c.578G>A (p.Arg193Gln)

Genes: CORO7 (coronin 7; minus strand), CORO7-PAM16 (CORO7-PAM16 readthrough; minus strand). Cytogenetic location: 16p13.3.
Variant type: single nucleotide variant.
Coding change: c.578G>A on transcript NM_001201479.2; coding-DNA position 578, G replaced by A.
Protein change: p.Arg193Gln; replaces arginine 193 with glutamine.
Molecular consequence: missense variant. On other transcripts: 5 prime UTR variant (1).
Genome position (GRCh38, 1-based): chr16:4,395,326, C>T on the plus strand (G>A on the coding strand, the complement: CORO7-PAM16 is on the minus strand). VCF-style: chr16-4395326-C-T. GRCh37 (hg19) VCF-style: chr16-4445327-C-T.
Other names: c.524G>A, p.Arg175Gln (NM_001201472.2); c.323G>A, p.Arg108Gln (NM_001201473.2); c.-83G>A (NM_001351729.2); c.578G>A, p.Arg193Gln (NM_024535.5); short protein forms R108Q, R175Q, R193Q.
Identifiers: ClinVar variation 1231728 (VCV001231728.4), dbSNP rs3747579, ClinGen allele CA7875251.

ClinVar aggregate classification (germline): Benign. Review status: criteria provided, multiple submitters, no conflicts (2 of 4 stars). 2 submissions from 2 submitters: Benign (2). Last evaluated 2019-04-19.

Allele frequency attached by ClinVar (database versions not stated): 1000 Genomes Project 30x 0.49469; 1000 Genomes Project 0.50739; TOPMed 0.53443; ESP Exome Variant Server 0.54756; gnomAD 0.55128 and 0.55861; ExAC 0.64993; gnomAD exomes 0.65300.
gnomAD v4.1: 1,101,536 of 1,613,632 alleles (68%); highest among the groups gnomAD compares: East Asian, 79%; 388,190 homozygotes.

Submissions (2):

GeneDx
Classification: Benign. Last evaluated: 2019-04-19. Review status: criteria provided, single submitter. Criteria: GeneDx Variant Classification Process June 2021. Collection method: clinical testing. Allele origin: germline. Affected: yes.
Comment: This variant is associated with the following publications: (PMID: 30389748)

Breakthrough Genomics
Classification: Benign. Review status: criteria provided, single submitter. Criteria: ACMG Guidelines, 2015. Collection method: not provided. Allele origin: germline. Inheritance: Unknown mechanism. Affected: yes.